The following is an entry in ClinVar:

NM_019616.4(F7):c.145G>C (p.Gly49Arg)

Gene: F7 (coagulation factor VII; plus strand). Cytogenetic location: 13q34.
Variant type: single nucleotide variant.
Coding change: c.145G>C on transcript NM_019616.4 (MANE Select); coding-DNA position 145, G replaced by C.
Protein change: p.Gly49Arg; replaces glycine 49 with arginine.
Molecular consequence: missense variant. On other transcripts: non-coding transcript variant (1), intron variant (1).
Genome position (GRCh38, 1-based): chr13:113,110,770, G>C. VCF-style: chr13-113110770-G-C. GRCh37 (hg19) VCF-style: chr13-113765084-G-C.
Other names: c.211G>C, p.Gly71Arg (NM_000131.5); c.65-3077G>C (NM_001267554.2); short protein forms G49R, G71R.
Identifiers: ClinVar variation 1676746 (VCV001676746.1), dbSNP rs376384665, ClinGen allele CA388780958.
Genomic context (GRCh38, chr13:113,110,770, plus strand): 5'-GCCCACGGCGTCCTGCACCGGCGCCGGCGCGCCAACGCGTTCCTGGAGGAGCTGCGGCCG[G>C]GCTCCCTGGAGAGGGAGTGCAAGGAGGAGCAGTGCTCCTTCGAGGAGGCCCGGGAGATCT-3'
Protein context (NP_062562.1, residues 39-59): ANAFLEELRP[Gly49Arg]SLERECKEEQ

ClinVar aggregate classification (germline): Likely pathogenic (1 of 4 stars; one submission).

Conditions:
Congenital factor VII deficiency. Identifiers: Orphanet 327, MedGen C0272320, MONDO:0009211, OMIM 227500.

Submission:

ISTH-SSC Genomics in Thrombosis and Hemostasis, KU Leuven, Center for Molecular and Vascular Biology
Classification: Likely pathogenic for Congenital factor VII deficiency. Review status: criteria provided, single submitter. Criteria: ACMG Guidelines, 2015. Collection method: clinical testing. Allele origin: unknown. Affected: yes.
Comment: Submitted to GoldVariant by Kathleen Freson, Center for Molecular and Vascular Biology, Leuven, Belgium

Literature cited by the submitters: PubMed 34355501.